The following is an entry in ClinVar:

NM_024334.3(TMEM43):c.-3A>G

Gene: TMEM43 (transmembrane protein 43; plus strand). Cytogenetic location: 3p25.1.
Variant type: single nucleotide variant.
Coding change: c.-3A>G on transcript NM_024334.3 (MANE Select); 3 bases upstream of the start codon, A replaced by G.
Molecular consequence: 5 prime UTR variant.
Genome position (GRCh38, 1-based): chr3:14,125,191, A>G. VCF-style: chr3-14125191-A-G. GRCh37 (hg19) VCF-style: chr3-14166691-A-G.
Identifiers: ClinVar variation 926827 (VCV000926827.9), dbSNP rs763829810, ClinGen allele CA69727253.
Genomic context (GRCh38, chr3:14,125,191, plus strand): 5'-CCAGTCGTCAGCCCACTTCCTAGCTGAACAGCGCGAGGCGGCGGCAGCGAGCCGGGTCCC[A>G]CCATGGCCGCGAATGTGAGTATCCCCGGGCCAGCCGGGCCACACCCAGGCTTCCCCGTCG-3'

ClinVar aggregate classification (germline): Uncertain significance. Review status: criteria provided, multiple submitters, no conflicts (2 of 4 stars). 4 submissions from 4 submitters: Uncertain significance (4). Last evaluated 2024-09-11.

Conditions:
Cardiomyopathy (CMYO). Also called: Cardiomyopathies. Identifiers: Orphanet 167848, MedGen C0878544, MONDO:0004994, HP:0001638. Inheritance: Various modes of inheritance.
Cardiovascular phenotype. Identifiers: MedGen CN230736.
Arrhythmogenic right ventricular dysplasia 5. Also called: Arrhythmogenic Right Ventricular Dysplasia/Cardiomyopathy 5; ARRHYTHMOGENIC RIGHT VENTRICULAR DYSPLASIA, FAMILIAL, 5. Identifiers: MedGen C1858379, MONDO:0011459, OMIM 604400.

Allele frequency attached by ClinVar (database versions not stated): TOPMed 0.00001.
gnomAD v4.1: 9 of 1,610,296 alleles (0.00056%); highest among the groups gnomAD compares: African/African-American, 0.012%; no homozygotes.

Submissions (4):

GeneDx
Classification: Uncertain significance. Last evaluated: 2024-09-11. Review status: criteria provided, single submitter. Criteria: GeneDx Variant Classification Process June 2021. Collection method: clinical testing. Allele origin: germline. Affected: yes.
Comment: Not observed at significant frequency in large population cohorts (gnomAD); Located in a region that tolerates variation and lacks pathogenic variants; Has not been previously published as pathogenic or benign to our knowledge; Located in a regulatory region; in the absence of functional studies, the actual effect of this sequence change is unknown

All of Us Research Program, National Institutes of Health
Classification: Uncertain significance for Arrhythmogenic right ventricular dysplasia 5. Last evaluated: 2024-05-14. Review status: criteria provided, single submitter. Criteria: ACMG Guidelines, 2015. Collection method: clinical testing. Allele origin: germline. Inheritance: Autosomal dominant inheritance. Observed: 1 variant allele, 1 heterozygote.
Comment: This variant is located in the 5' untranslated region of the TMEM43 gene. To our knowledge, functional studies have not been reported for this variant. This variant has not been reported in individuals affected with TMEM43-related disorders in the literature. This variant has been identified in 3/238614 chromosomes in the general population by the Genome Aggregation Database (gnomAD). The available evidence is insufficient to determine the role of this variant in disease conclusively. Therefore, this variant is classified as a Variant of Uncertain Significance.

This study involves interpretation of variants in research participants for the purpose of population health screening. Participant phenotype was not available at the time of variant classification. Additional details can be found in publication PMID: 35346344, PMCID: PMC8962531

Color Diagnostics, LLC DBA Color Health
Classification: Uncertain significance for Cardiomyopathy. Last evaluated: 2024-04-25. Review status: criteria provided, single submitter. Criteria: ACMG Guidelines, 2015. Collection method: clinical testing. Allele origin: germline.
Comment: This variant is located in the 5' untranslated region of the TMEM43 gene. To our knowledge, functional studies have not been reported for this variant. This variant has not been reported in individuals affected with TMEM43-related disorders in the literature. This variant has been identified in 3/238614 chromosomes in the general population by the Genome Aggregation Database (gnomAD). The available evidence is insufficient to determine the role of this variant in disease conclusively. Therefore, this variant is classified as a Variant of Uncertain Significance.

Ambry Genetics
Classification: Uncertain significance for Cardiovascular phenotype. Last evaluated: 2019-05-09. Review status: criteria provided, single submitter. Criteria: Ambry Variant Classification Scheme 2023. Collection method: clinical testing. Allele origin: germline.
Comment: The c.-3A>G variant is located in the 5' untranslated region (5&rsquo; UTR) of the TMEM43 gene. This variant results from an A to G substitution 3 bases upstream from the first translated codon. This nucleotide position is highly conserved in available vertebrate species. Since supporting evidence is limited at this time, the clinical significance of this alteration remains unclear.